The following is an entry in ClinVar:

NM_003072.5(SMARCA4):c.951C>A (p.Ala317=)

Gene: SMARCA4 (SWI/SNF related BAF chromatin remodeling complex subunit ATPase 4; plus strand). Cytogenetic location: 19p13.2.
Variant type: single nucleotide variant.
Coding change: c.951C>A on transcript NM_003072.5 (MANE Select); coding-DNA position 951, C replaced by A.
Protein change: p.Ala317=; no amino-acid change (alanine 317 retained).
Molecular consequence: synonymous variant. On other transcripts: non-coding transcript variant (1).
Genome position (GRCh38, 1-based): chr19:10,987,757, C>A. VCF-style: chr19-10987757-C-A. GRCh37 (hg19) VCF-style: chr19-11098433-C-A.
Other names: c.951C>A, p.Ala317= (NM_001128844.3, NM_001128845.2, NM_001128846.2 and 5 more transcripts).
Identifiers: ClinVar variation 1404030 (VCV001404030.8), dbSNP rs377511733, ClinGen allele CA505489666.

ClinVar aggregate classification (germline): Conflicting classifications of pathogenicity. Review status: criteria provided, conflicting classifications (1 of 4 stars). 3 submissions from 3 submitters: Uncertain significance (1); Likely benign (2). Last evaluated 2024-05-20.

Conditions:
Hereditary cancer-predisposing syndrome. Also called: Hereditary neoplastic syndrome; Hereditary Cancer Syndrome; Neoplastic Syndromes, Hereditary; Tumor predisposition. Identifiers: Orphanet 140162, MedGen C0027672, MeSH D009386, MONDO:0015356.
Rhabdoid tumor predisposition syndrome 2 (RTPS2). Identifiers: Orphanet 231108, Orphanet 69077, MedGen C2750074, MONDO:0013224, OMIM 613325.

Submissions (3):

Labcorp Genetics (formerly Invitae), Labcorp
Classification: Likely benign for Rhabdoid tumor predisposition syndrome 2. Last evaluated: 2024-05-20. Review status: criteria provided, single submitter. Criteria: Invitae Variant Classification Sherloc (09022015). Collection method: clinical testing. Allele origin: germline.

GeneDx
Classification: Uncertain significance. Last evaluated: 2022-10-24. Review status: criteria provided, single submitter. Criteria: GeneDx Variant Classification Process June 2021. Collection method: clinical testing. Allele origin: germline. Affected: yes.
Comment: Not observed at significant frequency in large population cohorts (gnomAD); Has not been previously published as pathogenic or benign to our knowledge; In silico analysis suggests this variant may impact gene splicing. In the absence of RNA/functional studies, the actual effect of this sequence change is unknown.

Ambry Genetics
Classification: Likely benign for Hereditary cancer-predisposing syndrome. Last evaluated: 2020-04-14. Review status: criteria provided, single submitter. Criteria: Ambry Variant Classification Scheme 2023. Collection method: clinical testing. Allele origin: germline.